The following is an entry in ClinVar:

NM_000236.3(LIPC):c.403C>T (p.Arg135Cys)

Gene: LIPC (lipase C, hepatic type; plus strand). Cytogenetic location: 15q21.3.
Variant type: single nucleotide variant.
Coding change: c.403C>T on transcript NM_000236.3 (MANE Select); coding-DNA position 403, C replaced by T.
Protein change: p.Arg135Cys; replaces arginine 135 with cysteine.
Molecular consequence: missense variant.
Genome position (GRCh38, 1-based): chr15:58,541,914, C>T. VCF-style: chr15-58541914-C-T. GRCh37 (hg19) VCF-style: chr15-58834113-C-T.
Other names: short protein forms R135C.
Identifiers: ClinVar variation 888211 (VCV000888211.9), dbSNP rs201014789, ClinGen allele CA7584829.

ClinVar aggregate classification (germline): Uncertain significance. Review status: criteria provided, multiple submitters, no conflicts (2 of 4 stars). 2 submissions from 2 submitters: Uncertain significance (2). Last evaluated 2025-05-12.

Conditions:
Hyperlipidemia due to hepatic triglyceride lipase deficiency. Also called: LIPC DEFICIENCY. Identifiers: Orphanet 140905, MedGen C3151466, MONDO:0013533, OMIM 614025.

Allele frequency attached by ClinVar (database versions not stated): gnomAD 0.00007 and 0.00015; TOPMed 0.00009; 1000 Genomes Project 30x 0.00016; 1000 Genomes Project 0.00020; ExAC 0.00047; gnomAD exomes 0.00048.
gnomAD v4.1: 330 of 1,611,824 alleles (0.02%); highest among the groups gnomAD compares: South Asian, 0.2%; 3 homozygotes.

Submissions (2):

Labcorp Genetics (formerly Invitae), Labcorp
Classification: Uncertain significance. Last evaluated: 2025-05-12. Review status: criteria provided, single submitter. Criteria: Invitae Variant Classification Sherloc (09022015). Collection method: clinical testing. Allele origin: germline.
Comment: This sequence change replaces arginine, which is basic and polar, with cysteine, which is neutral and slightly polar, at codon 135 of the LIPC protein (p.Arg135Cys). This variant is present in population databases (rs201014789, gnomAD 0.2%), and has an allele count higher than expected for a pathogenic variant. This missense change has been observed in individual(s) with dyslipidemia (PMID: 32041611, 36325899). ClinVar contains an entry for this variant (Variation ID: 888211). Invitae Evidence Modeling of protein sequence and biophysical properties (such as structural, functional, and spatial information, amino acid conservation, physicochemical variation, residue mobility, and thermodynamic stability) indicates that this missense variant is expected to disrupt LIPC protein function with a positive predictive value of 80%. In summary, the available evidence is currently insufficient to determine the role of this variant in disease. Therefore, it has been classified as a Variant of Uncertain Significance.

Illumina Laboratory Services, Illumina
Classification: Uncertain significance for Hyperlipidemia due to hepatic triglyceride lipase deficiency. Last evaluated: 2017-04-27. Review status: criteria provided, single submitter. Criteria: ICSL Variant Classification Criteria 13 December 2019. Collection method: clinical testing. Allele origin: germline.

Literature cited by the submitters: PubMed 32041611 (cited by Labcorp Genetics (formerly Invitae), Labcorp); PubMed 36325899 (cited by Labcorp Genetics (formerly Invitae), Labcorp).